The following is an entry in ClinVar:

ClinVar aggregate classification (germline): Uncertain significance (1 of 4 stars; one submission).

Allele frequency attached by ClinVar (database versions not stated): gnomAD exomes below 0.00001; TOPMed below 0.00001; gnomAD 0.00001.
gnomAD v4.1: 6 of 1,612,822 alleles (0.00037%); highest among the groups gnomAD compares: Middle Eastern, 0.016%; no homozygotes.

Submission:

Labcorp Genetics (formerly Invitae), Labcorp
Classification: Uncertain significance. Last evaluated: 2023-06-14. Review status: criteria provided, single submitter. Criteria: Invitae Variant Classification Sherloc (09022015). Collection method: clinical testing. Allele origin: germline.
Comment: In summary, the available evidence is currently insufficient to determine the role of this variant in disease. Therefore, it has been classified as a Variant of Uncertain Significance. This variant has not been reported in the literature in individuals affected with CACNA2D4-related conditions. This variant is not present in population databases (gnomAD no frequency). This sequence change creates a premature translational stop signal (p.Gln455*) in the CACNA2D4 gene. It is expected to result in an absent or disrupted protein product. However, the current clinical and genetic evidence is not sufficient to establish whether loss-of-function variants in CACNA2D4 cause disease.

NM_172364.5(CACNA2D4):c.1363C>T (p.Gln455Ter)

Gene: CACNA2D4 (calcium voltage-gated channel auxiliary subunit alpha2delta 4; minus strand). Cytogenetic location: 12p13.33.
Variant type: single nucleotide variant.
Coding change: c.1363C>T on transcript NM_172364.5 (MANE Select); coding-DNA position 1363, C replaced by T.
Protein change: p.Gln455Ter; replaces glutamine 455 with a stop codon.
Molecular consequence: nonsense.
Genome position (GRCh38, 1-based): chr12:1,882,989, G>A on the plus strand (C>T on the coding strand, the complement: CACNA2D4 is on the minus strand). VCF-style: chr12-1882989-G-A. GRCh37 (hg19) VCF-style: chr12-1992155-G-A.
Other names: short protein forms Q455*.
Identifiers: ClinVar variation 3009049 (VCV003009049.3), dbSNP rs910218315, ClinGen allele CA231555172.